The following is an entry in ClinVar:

NM_000092.5(COL4A4):c.2022dup (p.Arg675fs)

Gene: COL4A4 (collagen type IV alpha 4 chain; minus strand). Cytogenetic location: 2q36.3.
Variant type: Duplication.
Coding change: c.2022dup on transcript NM_000092.5 (MANE Select); coding-DNA position 2022, one base duplicated (G; older notation c.2022dupG).
Protein change: p.Arg675fs; shifts the reading frame from arginine 675.
Molecular consequence: frameshift variant.
Genome position (GRCh38, 1-based): chr2:227,062,564, C duplicated on the plus strand (G on the coding strand, the reverse complement: COL4A4 is on the minus strand); the first of 3 consecutive C bases (chr2:227,062,564-227,062,566); duplicating any one gives the same sequence. VCF-style (leftmost placement, unchanged base first): chr2-227062563-T-TC. GRCh37 (hg19) VCF-style: chr2-227927279-T-TC.
Other names: short protein forms R675fs.
Identifiers: ClinVar variation 5015917 (VCV005015917.1).
Genomic context (GRCh38, chr2:227,062,563, plus strand): 5'-AAGACAGTAACTTCTCATTGATAATACCTGGAGGTCCATCAAAACCTGGAGGGCCATGCC[T>TC]CCCAGGGTAGGTTACGTTGCAAGAAATTGTGTCACCTGCAATGAGAAAAGAAAAGCGGCA-3'

ClinVar aggregate classification (germline): Pathogenic (1 of 4 stars; one submission).

Conditions:
Alport syndrome. Also called: Hemorrhagic familial nephritis; Hemorrhagic hereditary nephritis; Congenital hereditary hematuria. Identifiers: Orphanet 63, MedGen C1567741, MONDO:0018965.

Submission:

Myriad Genetics, Inc.
Classification: Pathogenic for Alport syndrome. Last evaluated: 2026-05-15. Review status: criteria provided, single submitter. Criteria: Myriad Autosomal Dominant, Autosomal Recessive and X-Linked Classification Criteria (2023). Collection method: clinical testing. Allele origin: unknown.
Comment: NM_000092.4(COL4A4):c.2022dupG(R675Efs*8) is expected to be pathogenic in the context of Alport syndrome, COL4A4-related. This variant is predicted to lead to an abnormal or absent protein product due to the creation of a premature termination codon in COL4A4, a gene where loss-of-function variants are known to be pathogenic. Please note: this variant was assessed in the context of healthy population screening.